The following is an entry in ClinVar:

NM_012388.4(BLOC1S6):c.452A>T (p.Glu151Val)

Gene: BLOC1S6 (biogenesis of lysosomal organelles complex 1 subunit 6; plus strand). Cytogenetic location: 15q21.1.
Variant type: single nucleotide variant.
Coding change: c.452A>T on transcript NM_012388.4 (MANE Select); coding-DNA position 452, A replaced by T.
Protein change: p.Glu151Val; replaces glutamic acid 151 with valine.
Molecular consequence: missense variant. On other transcripts: 3 prime UTR variant (1), non-coding transcript variant (10).
Genome position (GRCh38, 1-based): chr15:45,606,447, A>T. VCF-style: chr15-45606447-A-T. GRCh37 (hg19) VCF-style: chr15-45898645-A-T.
Other names: c.467A>T, p.Glu156Val (NM_001311255.1); c.*103A>T (NM_001311256.1); short protein forms E156V, E151V.
Identifiers: ClinVar variation 2063836 (VCV002063836.4), dbSNP rs2542300043, ClinGen allele CA392301040.

ClinVar aggregate classification (germline): Uncertain significance (1 of 4 stars; one submission).

Conditions:
Hermansky-Pudlak syndrome 9 (HPS9). Identifiers: Orphanet 280663, Orphanet 79430, MedGen C3280026, MONDO:0013606, OMIM 614171.

Submission:

Labcorp Genetics (formerly Invitae), Labcorp
Classification: Uncertain significance for Hermansky-Pudlak syndrome 9. Last evaluated: 2025-02-03. Review status: criteria provided, single submitter. Criteria: Invitae Variant Classification Sherloc (09022015). Collection method: clinical testing. Allele origin: germline.
Comment: This sequence change replaces glutamic acid, which is acidic and polar, with valine, which is neutral and non-polar, at codon 151 of the BLOC1S6 protein (p.Glu151Val). This variant is not present in population databases (gnomAD no frequency). This variant has not been reported in the literature in individuals affected with BLOC1S6-related conditions. ClinVar contains an entry for this variant (Variation ID: 2063836). An algorithm developed to predict the effect of missense changes on protein structure and function (PolyPhen-2) suggests that this variant is likely to be disruptive. In summary, the available evidence is currently insufficient to determine the role of this variant in disease. Therefore, it has been classified as a Variant of Uncertain Significance.